The following is an entry in ClinVar:

NM_005101.4(ISG15):c.71C>T (p.Ser24Leu)

Gene: ISG15 (ISG15 ubiquitin like modifier; plus strand). Cytogenetic location: 1p36.33.
Variant type: single nucleotide variant.
Coding change: c.71C>T on transcript NM_005101.4 (MANE Select); coding-DNA position 71, C replaced by T.
Protein change: p.Ser24Leu; replaces serine 24 with leucine.
Molecular consequence: missense variant.
Genome position (GRCh38, 1-based): chr1:1,014,051, C>T. VCF-style: chr1-1014051-C-T. GRCh37 (hg19) VCF-style: chr1-949431-C-T.
Other names: p.Ser24Leu; c.71C>T (NM_005101.3); short protein forms S24L.
Identifiers: ClinVar variation 1360941 (VCV001360941.5), dbSNP rs138885601, ClinGen allele CA507605.

ClinVar aggregate classification (germline): Conflicting classifications of pathogenicity. Review status: criteria provided, conflicting classifications (1 of 4 stars). 3 submissions from 3 submitters: Uncertain significance (2); Likely benign (1). Last evaluated 2025-06-16.

Conditions:
Mendelian susceptibility to mycobacterial diseases due to complete ISG15 deficiency. Also called: Immunodeficiency 38; IMMUNODEFICIENCY 38, MYCOBACTERIOSIS, AUTOSOMAL RECESSIVE; ISG15 DEFICIENCY, AUTOSOMAL RECESSIVE; Immunodeficiency 38 with basal ganglia calcification. Identifiers: Orphanet 319563, MedGen C4015293, MONDO:0014502, OMIM 616126.

Allele frequency attached by ClinVar (database versions not stated): ExAC 0.00004; gnomAD exomes 0.00004; ESP Exome Variant Server 0.00008.

Submissions (3):

Ambry Genetics
Classification: Likely benign. Last evaluated: 2025-06-16. Review status: criteria provided, single submitter. Criteria: Ambry Variant Classification Scheme 2023. Collection method: clinical testing. Allele origin: germline.

Mayo Clinic Laboratories, Mayo Clinic
Classification: Uncertain significance. Last evaluated: 2022-03-08. Review status: criteria provided, single submitter. Criteria: ACMG Guidelines, 2015. Collection method: clinical testing. Allele origin: germline. Observed: 1 variant allele.
Comment: BP4

Labcorp Genetics (formerly Invitae), Labcorp
Classification: Uncertain significance for Mendelian susceptibility to mycobacterial diseases due to complete ISG15 deficiency. Last evaluated: 2021-09-09. Review status: criteria provided, single submitter. Criteria: Invitae Variant Classification Sherloc (09022015). Collection method: clinical testing. Allele origin: germline.
Comment: This sequence change replaces serine with leucine at codon 24 of the ISG15 protein (p.Ser24Leu). The serine residue is weakly conserved and there is a large physicochemical difference between serine and leucine. This variant is present in population databases (rs138885601, ExAC 0.03%). This variant has not been reported in the literature in individuals affected with ISG15-related conditions. Algorithms developed to predict the effect of missense changes on protein structure and function output the following: SIFT: "Tolerated"; PolyPhen-2: "Benign"; Align-GVGD: "Class C0". The leucine amino acid residue is found in multiple mammalian species, which suggests that this missense change does not adversely affect protein function. In summary, the available evidence is currently insufficient to determine the role of this variant in disease. Therefore, it has been classified as a Variant of Uncertain Significance.